The following is an entry in ClinVar:

ClinVar aggregate classification (germline): Uncertain significance. Review status: criteria provided, multiple submitters, no conflicts (2 of 4 stars). 3 submissions from 3 submitters: Uncertain significance (3). Last evaluated 2025-11-12.

Conditions:
CSF2RB-related disorder. Also called: CSF2RB-related condition.
Inborn genetic diseases. Identifiers: MedGen C0950123, MeSH D030342.

Allele frequency attached by ClinVar (database versions not stated): gnomAD exomes 0.00001; TOPMed 0.00017; ExAC 0.00005; gnomAD 0.00018.
gnomAD v4.1: 47 of 1,558,440 alleles (0.003%); highest among the groups gnomAD compares: African/African-American, 0.057%; no homozygotes.

Submissions (3):

Ambry Genetics
Classification: Uncertain significance for Inborn genetic diseases. Last evaluated: 2025-11-12. Review status: criteria provided, single submitter. Criteria: Ambry Variant Classification Scheme 2023. Collection method: clinical testing. Allele origin: germline.

Labcorp Genetics (formerly Invitae), Labcorp
Classification: Uncertain significance. Last evaluated: 2025-04-28. Review status: criteria provided, single submitter. Criteria: Invitae Variant Classification Sherloc (09022015). Collection method: clinical testing. Allele origin: germline.
Comment: This sequence change replaces proline, which is neutral and non-polar, with serine, which is neutral and polar, at codon 611 of the CSF2RB protein (p.Pro611Ser). This variant is present in population databases (rs747108469, gnomAD 0.05%). This variant has not been reported in the literature in individuals affected with CSF2RB-related conditions. ClinVar contains an entry for this variant (Variation ID: 2359849). Invitae Evidence Modeling of protein sequence and biophysical properties (such as structural, functional, and spatial information, amino acid conservation, physicochemical variation, residue mobility, and thermodynamic stability) indicates that this missense variant is not expected to disrupt CSF2RB protein function with a negative predictive value of 80%. In summary, the available evidence is currently insufficient to determine the role of this variant in disease. Therefore, it has been classified as a Variant of Uncertain Significance.

PreventionGenetics, part of Exact Sciences
Classification: Uncertain significance for CSF2RB-related condition. Last evaluated: 2023-09-14. Review status: criteria provided, single submitter. Criteria: ACMG Guidelines, 2015. Collection method: clinical testing. Allele origin: germline.
Comment: The CSF2RB c.1831C>T variant is predicted to result in the amino acid substitution p.Pro611Ser. To our knowledge, this variant has not been reported in the literature. This variant is reported in 0.041% of alleles in individuals of African descent in gnomAD. At this time, the clinical significance of this variant is uncertain due to the absence of conclusive functional and genetic evidence.

NM_000395.3(CSF2RB):c.1831C>T (p.Pro611Ser)

Gene: CSF2RB (colony stimulating factor 2 receptor subunit beta; plus strand). Cytogenetic location: 22q12.3.
Variant type: single nucleotide variant.
Coding change: c.1831C>T on transcript NM_000395.3 (MANE Select); coding-DNA position 1831, C replaced by T.
Protein change: p.Pro611Ser; replaces proline 611 with serine.
Molecular consequence: missense variant.
Genome position (GRCh38, 1-based): chr22:36,937,639, C>T. VCF-style: chr22-36937639-C-T. GRCh37 (hg19) VCF-style: chr22-37333681-C-T.
Other names: c.1849C>T, p.Pro617Ser (NM_001410827.1); short protein forms P611S, P617S.
Identifiers: ClinVar variation 2359849 (VCV002359849.7), dbSNP rs747108469, ClinGen allele CA10213987.